The following is an entry in ClinVar:

NM_152383.5(DIS3L2):c.2407C>T (p.Arg803Trp)

Gene: DIS3L2 (DIS3 like 3'-5' exoribonuclease 2; plus strand). Cytogenetic location: 2q37.1.
Variant type: single nucleotide variant.
Coding change: c.2407C>T on transcript NM_152383.5 (MANE Select); coding-DNA position 2407, C replaced by T.
Protein change: p.Arg803Trp; replaces arginine 803 with tryptophan.
Molecular consequence: missense variant. On other transcripts: non-coding transcript variant (2), intron variant (1).
Genome position (GRCh38, 1-based): chr2:232,335,785, C>T. VCF-style: chr2-232335785-C-T. GRCh37 (hg19) VCF-style: chr2-233200495-C-T.
Other names: c.1582-7560C>T (NM_001257281.2); short protein forms R803W.
Identifiers: ClinVar variation 531911 (VCV000531911.9), dbSNP rs866926882, ClinGen allele CA66931763.

ClinVar aggregate classification (germline): Uncertain significance (1 of 4 stars; one submission).

Conditions:
Perlman syndrome (PRLMNS). Identifiers: Orphanet 2849, MedGen C0796113, MONDO:0009965, OMIM 267000.

Allele frequency attached by ClinVar (database versions not stated): gnomAD 0.00003; gnomAD exomes 0.00003; TOPMed 0.00005; 1000 Genomes Project 30x 0.00031.
gnomAD v4.1: 13 of 1,550,492 alleles (0.00084%); highest among the groups gnomAD compares: African/African-American, 0.0068%; no homozygotes.

Submission:

Labcorp Genetics (formerly Invitae), Labcorp
Classification: Uncertain significance for Perlman syndrome. Last evaluated: 2025-10-01. Review status: criteria provided, single submitter. Criteria: Invitae Variant Classification Sherloc (09022015). Collection method: clinical testing. Allele origin: germline.
Comment: This sequence change replaces arginine, which is basic and polar, with tryptophan, which is neutral and slightly polar, at codon 803 of the DIS3L2 protein (p.Arg803Trp). The frequency data for this variant in the population databases is considered unreliable, as metrics indicate poor data quality at this position in the gnomAD database. This variant has not been reported in the literature in individuals affected with DIS3L2-related conditions. ClinVar contains an entry for this variant (Variation ID: 531911). Invitae Evidence Modeling of protein sequence and biophysical properties (such as structural, functional, and spatial information, amino acid conservation, physicochemical variation, residue mobility, and thermodynamic stability) indicates that this missense variant is not expected to disrupt DIS3L2 protein function with a negative predictive value of 80%. In summary, the available evidence is currently insufficient to determine the role of this variant in disease. Therefore, it has been classified as a Variant of Uncertain Significance.